The following is an entry in ClinVar:

NM_024675.4(PALB2):c.1958_1959insGGGCCGGGCGCGGTGGCTCACGCCTGTAATCCCAGCACTTTGGGAGGCCGAGGCGGGCGGATCACGAGGNNNNNNNNNNAAAAAAAAAAAAAAAAAAAAAAAGAGGGAAGCTG (p.Cys653fs)

Gene: PALB2 (partner and localizer of BRCA2; minus strand). Cytogenetic location: 16p12.2.
Variant type: Insertion.
Coding change: c.1958_1959insGGGCCGGGCGCGGTGGCTCACGCCTGTAATCCCAGCACTTTGGGAGGCCGAGGCGGGCGGATCACGAGGNNNNNNNNNNAAAAAAAAAAAAAAAAAAAAAAAGAGGGAAGCTG on transcript NM_024675.4 (MANE Select); coding-DNA positions 1958 to 1959, GGGCCGGGCGCGGTGGCTCACGCCTGTAATCCCAGCACTTTGGGAGGCCGAGGCGGGCGGATCACGAGGNNNNNNNNNNAAAAAAAAAAAAAAAAAAAAAAAGAGGGAAGCTG inserted.
Protein change: p.Cys653fs; shifts the reading frame from cysteine 653.
Molecular consequence: frameshift variant.
Genome position: GRCh38: chr16:23,630,209-23,630,210. GRCh37 (hg19): chr16:23,641,530-23,641,531.
Other names: short protein forms C653fs.
Identifiers: ClinVar variation 1395956 (VCV001395956.7), dbSNP rs2142385006.

ClinVar aggregate classification (germline): Pathogenic (1 of 4 stars; one submission).

Conditions:
Familial cancer of breast. Also called: hereditary breast carcinoma; BREAST CANCER, FAMILIAL; Hereditary breast cancer. Identifiers: Orphanet 227535, MedGen C0346153, MONDO:0016419, OMIM 114480. Disease mechanism: loss of function.

Submission:

Labcorp Genetics (formerly Invitae), Labcorp
Classification: Pathogenic for Familial cancer of breast. Last evaluated: 2021-07-08. Review status: criteria provided, single submitter. Criteria: Invitae Variant Classification Sherloc (09022015). Collection method: clinical testing. Allele origin: germline.
Comment: This sequence change inserts a large fragment of DNA, likely a transposable element, in exon 5 of the PALB2 gene (c.1958_1959ins?), causing a frameshift at codon 653 (p.Cys653fs). The exact size and sequence of the insertion cannot be determined by the current assay. However, the insertion is expected to result in an absent or disrupted protein product. For these reasons, this variant has been classified as Pathogenic. Retrotransposon insertions including LINE1 (L1), Alu, and SVA (SINE-VNTR-Alu) have been reported to be disease-causing through disruption of either a coding region or splice site (PMID: 19763152, 20307669, 22406018) and loss-of-function variants in PALB2 are known to be pathogenic (PMID: 17200668, 24136930, 25099575). This variant has not been reported in the literature in individuals affected with PALB2-related conditions.

Literature cited by the submitters: PubMed 19763152; PubMed 20307669; PubMed 22406018; PubMed 17200668; PubMed 24136930; PubMed 25099575.